The following is an entry in ClinVar:

ClinVar aggregate classification (germline): Benign/Likely benign. Review status: criteria provided, multiple submitters, no conflicts (2 of 4 stars). 3 submissions from 3 submitters: Benign (1); Likely benign (2). Last evaluated 2025-06-19.

Conditions:
Renal cell carcinoma. Identifiers: Orphanet 217071, MedGen C0007134, MeSH D002292, MONDO:0005086, HP:0005584.
Hereditary cancer-predisposing syndrome. Also called: Neoplastic Syndromes, Hereditary; Tumor predisposition; Hereditary neoplastic syndrome; Hereditary Cancer Syndrome. Identifiers: Orphanet 140162, MedGen C0027672, MeSH D009386, MONDO:0015356.
Papillary renal cell carcinoma type 1 (RCCP1). Also called: Renal adenocarcinoma; Renal cell carcinoma 1; Renal cell carcinoma, somatic; RENAL CELL CARCINOMA, PAPILLARY, 1, SOMATIC. Identifiers: Orphanet 47044, MedGen C1336839, OMIM 605074, HP:0011797.

Allele frequency attached by ClinVar (database versions not stated): gnomAD exomes below 0.00001.
gnomAD v4.1: 2 of 1,614,186 alleles (0.00012%); highest among the groups gnomAD compares: South Asian, 0.0011%; no homozygotes.

Submissions (3):

Labcorp Genetics (formerly Invitae), Labcorp
Classification: Likely benign for Renal cell carcinoma. Last evaluated: 2025-06-19. Review status: criteria provided, single submitter. Criteria: Invitae Variant Classification Sherloc (09022015). Collection method: clinical testing. Allele origin: germline.

Myriad Genetics, Inc.
Classification: Benign for Papillary renal cell carcinoma type 1. Last evaluated: 2024-11-14. Review status: criteria provided, single submitter. Criteria: Myriad Autosomal Dominant, Autosomal Recessive and X-Linked Classification Criteria (2023). Collection method: clinical testing. Allele origin: unknown.
Comment: This variant is considered benign. This variant is a silent/synonymous amino acid change and it is not expected to impact splicing.

Ambry Genetics
Classification: Likely benign for Hereditary cancer-predisposing syndrome. Last evaluated: 2019-12-15. Review status: criteria provided, single submitter. Criteria: Ambry Variant Classification Scheme 2023. Collection method: clinical testing. Allele origin: germline.

NM_000245.4(MET):c.3741G>C (p.Val1247=)

Gene: MET (MET proto-oncogene, receptor tyrosine kinase; plus strand). Cytogenetic location: 7q31.2.
Variant type: single nucleotide variant.
Coding change: c.3741G>C on transcript NM_000245.4 (MANE Select); coding-DNA position 3741, G replaced by C.
Protein change: p.Val1247=; no amino-acid change (valine 1247 retained).
Molecular consequence: synonymous variant.
Genome position (GRCh38, 1-based): chr7:116,783,412, G>C. VCF-style: chr7-116783412-G-C. GRCh37 (hg19) VCF-style: chr7-116423466-G-C.
Other names: c.3795G>C, p.Val1265= (NM_001127500.3); c.2451G>C, p.Val817= (NM_001324402.2).
Identifiers: ClinVar variation 824222 (VCV000824222.15), dbSNP rs1584965646, ClinGen allele CA457219504.
Genomic context (GRCh38, chr7:116,783,412, plus strand): 5'-AGACATGTATGATAAAGAATACTATAGTGTACACAACAAAACAGGTGCAAAGCTGCCAGT[G>C]AAGTGGATGGCTTTGGAAAGTCTGCAAACTCAAAAGTTTACCACCAAGTCAGATGTGGTA-3'
Protein context (NP_000236.2, residues 1237-1257): VHNKTGAKLP[Val1247=]KWMALESLQT